The following is an entry in ClinVar:

NM_133444.3(ZNF526):c.297G>A (p.Glu99=)

Gene: ZNF526 (zinc finger protein 526; plus strand). Cytogenetic location: 19q13.2.
Variant type: single nucleotide variant.
Coding change: c.297G>A on transcript NM_133444.3 (MANE Select); coding-DNA position 297, G replaced by A.
Protein change: p.Glu99=; no amino-acid change (glutamic acid 99 retained).
Molecular consequence: synonymous variant.
Genome position (GRCh38, 1-based): chr19:42,224,700, G>A. VCF-style: chr19-42224700-G-A. GRCh37 (hg19) VCF-style: chr19-42728852-G-A.
Other names: c.297G>A, p.Glu99= (NM_001314033.3).
Identifiers: ClinVar variation 4085102 (VCV004085102.8).

ClinVar aggregate classification (germline): Likely benign (1 of 4 stars; one submission).

Submission:

CeGaT Center for Human Genetics Tuebingen
Classification: Likely benign. Last evaluated: 2025-07-01. Review status: criteria provided, single submitter. Criteria: CeGaT Center For Human Genetics Tuebingen Variant Classification Criteria Version 2. Collection method: clinical testing. Allele origin: germline. Affected: yes. Observed: 1 variant allele.
Comment: ZNF526: PM2:Supporting, BP4, BP7